The following is an entry in ClinVar:

NC_000003.11:g.(?_49568220)_(49570642_?)dup

Gene: DAG1 (dystroglycan 1; plus strand). Cytogenetic location: 3p21.31.
Variant type: Duplication.
Identifiers: ClinVar variation 1047030 (VCV001047030.5).

ClinVar aggregate classification (germline): Uncertain significance (1 of 4 stars; one submission).

Conditions:
Autosomal recessive limb-girdle muscular dystrophy type 2P. Also called: Limb-Girdle Muscular Dystrophy Type 9C; MUSCULAR DYSTROPHY, LIMB-GIRDLE, TYPE 2P; MUSCULAR DYSTROPHY-DYSTROGLYCANOPATHY, LIMB-GIRDLE, DAG1-RELATED. Identifiers: Orphanet 280333, MedGen C4511963, MONDO:0013440, OMIM 613818.
Muscular dystrophy-dystroglycanopathy (congenital with brain and eye anomalies), type A9. Also called: Muscular dystrophy-dystroglycanopathy (congenital with brain and eye anomalies), type a, 9; WALKER-WARBURG SYNDROME OR MUSCLE-EYE BRAIN DISEASE, DAG1-RELATED. Identifiers: Orphanet 370997, Orphanet 899, MedGen C4225291, MONDO:0014683, OMIM 616538.

Submission:

Labcorp Genetics (formerly Invitae), Labcorp
Classification: Uncertain significance for Autosomal recessive limb-girdle muscular dystrophy type 2P; Muscular dystrophy-dystroglycanopathy (congenital with brain and eye anomalies), type A9. Last evaluated: 2020-08-09. Review status: criteria provided, single submitter. Criteria: Invitae Variant Classification Sherloc (09022015). Collection method: clinical testing. Allele origin: germline.
Comment: This variant results in a copy number gain of the genomic region encompassing exon(s) 3 of the DAG1 gene. The 5' boundary is likely confined to intron 2. The 3' end of this event is unknown as it extends beyond the assayed region for this gene and therefore may encompass additional genes. As the precise location of this event is unknown, it may be in tandem or it may be located elsewhere in the genome. This variant has not been reported in the literature in individuals with DAG1-related conditions. Experimental studies and prediction algorithms are not available or were not evaluated, and the functional significance of this variant is currently unknown. In summary, the available evidence is currently insufficient to determine the role of this variant in disease. Therefore, it has been classified as a Variant of Uncertain Significance.